The following is an entry in ClinVar:

ClinVar aggregate classification (germline): Conflicting classifications of pathogenicity. Review status: criteria provided, conflicting classifications (1 of 4 stars). 2 submissions from 2 submitters: Likely pathogenic (1); Uncertain significance (1). Last evaluated 2024-03-25.

Conditions:
Dent disease type 1 (DENT1). Also called: NEPHROLITHIASIS 2; NEPHROLITHIASIS, HYPERCALCIURIC, X-LINKED. Identifiers: Orphanet 1652, Orphanet 93622, MedGen C1848336, MONDO:0010225, OMIM 300009.
Hypophosphatemic rickets, X-linked recessive (XLHRR). Identifiers: Orphanet 1652, Orphanet 93622, MedGen C1845168, MONDO:0010358, OMIM 300554.

Submissions (2):

Genomic Medicine Center of Excellence, King Faisal Specialist Hospital and Research Centre
Classification: Uncertain significance for Dent disease type 1. Last evaluated: 2024-03-25. Review status: criteria provided, single submitter. Criteria: ACMG Guidelines, 2015. Collection method: clinical testing. Allele origin: germline.

Baylor Genetics
Classification: Likely pathogenic for Hypophosphatemic rickets, X-linked recessive. Last evaluated: 2020-05-05. Review status: criteria provided, single submitter. Criteria: ACMG Guidelines, 2015. Collection method: clinical testing. Allele origin: unknown. Affected: yes.
Comment: This variant was determined to be likely pathogenic according to ACMG Guidelines, 2015 [PMID:25741868].

NM_001127898.4(CLCN5):c.941C>A (p.Ser314Ter)

Gene: CLCN5 (Cl-/H+ antiporter 5; plus strand). Cytogenetic location: Xp11.23.
Variant type: single nucleotide variant.
Coding change: c.941C>A on transcript NM_001127898.4 (MANE Select); coding-DNA position 941, C replaced by A.
Protein change: p.Ser314Ter; replaces serine 314 with a stop codon.
Molecular consequence: nonsense.
Genome position (GRCh38, 1-based): chrX:50,085,987, C>A. VCF-style: chrX-50085987-C-A. GRCh37 (hg19) VCF-style: chrX-49850644-C-A.
Other names: c.731C>A, p.Ser244Ter (NM_000084.5); c.941C>A, p.Ser314Ter (NM_001127899.4); c.941C>A (NM_001127898.3); c.791C>A, p.Ser264Ter (NM_001282163.2); short protein forms S244*, S264*, S314*.
Identifiers: ClinVar variation 1029478 (VCV001029478.2), dbSNP rs151340626, ClinGen allele CA413184838.